The following is an entry in ClinVar:

ClinVar aggregate classification (germline): Benign. Review status: criteria provided, single submitter (1 of 4 stars). 2 submissions from 2 submitters: Benign (1). 1 of the submissions does not count toward it. Last evaluated 2026-01-28.

Conditions:
KCNK4-related disorder. Also called: KCNK4-related condition.

Allele frequency attached by ClinVar (database versions not stated): gnomAD exomes 0.00007 and 0.00012; ExAC 0.00012; 1000 Genomes Project 30x 0.00047; gnomAD 0.00078 and 0.00084; TOPMed 0.00085.
gnomAD v4.1: 226 of 1,562,456 alleles (0.014%); highest among the groups gnomAD compares: African/African-American, 0.27%; no homozygotes.

Submissions (2):

Labcorp Genetics (formerly Invitae), Labcorp
Classification: Benign. Last evaluated: 2026-01-28. Review status: criteria provided, single submitter. Criteria: Invitae Variant Classification Sherloc (09022015). Collection method: clinical testing. Allele origin: germline.

PreventionGenetics, part of Exact Sciences
Classification: Likely benign for KCNK4-related condition. Last evaluated: 2019-06-17. Review status: no assertion criteria provided. Collection method: clinical testing. Allele origin: germline. Not counted in ClinVar's aggregate classification.
Comment: This variant is classified as likely benign based on ACMG/AMP sequence variant interpretation guidelines (Richards et al. 2015 PMID: 25741868, with internal and published modifications).

NM_033310.3(KCNK4):c.1155T>G (p.Arg385=)

Genes: KCNK4 (potassium two pore domain channel subfamily K member 4; plus strand), KCNK4-CATSPERZ (KCNK4-CATSPERZ readthrough (NMD candidate); plus strand). Cytogenetic location: 11q13.1.
Variant type: single nucleotide variant.
Coding change: c.1155T>G on transcript NM_033310.3 (MANE Select); coding-DNA position 1155, T replaced by G.
Protein change: p.Arg385=; no amino-acid change (arginine 385 retained).
Molecular consequence: synonymous variant. On other transcripts: non-coding transcript variant (3).
Genome position (GRCh38, 1-based): chr11:64,299,699, T>G. VCF-style: chr11-64299699-T-G. GRCh37 (hg19) VCF-style: chr11-64067171-T-G.
Other names: c.1155T>G (NM_033310.2); c.1155T>G, p.Arg385= (NM_001317090.2).
Identifiers: ClinVar variation 1599359 (VCV001599359.10), dbSNP rs762014521, ClinGen allele CA6073263.